The following is an entry in ClinVar:

ClinVar aggregate classification (germline): Uncertain significance. Review status: criteria provided, multiple submitters, no conflicts (2 of 4 stars). 2 submissions from 2 submitters: Uncertain significance (2). Last evaluated 2025-09-16.

Conditions:
Hereditary spastic paraplegia 3A (SPG3A). Also called: SPASTIC PARAPLEGIA 3, AUTOSOMAL DOMINANT; FAMILIAL SPASTIC PARAPLEGIA, AUTOSOMAL DOMINANT, 1; SPG3; STRUMPELL DISEASE; Spastic Paraplegia 3A; Spastic paraplegia 3A, autosomal dominant. Identifiers: Orphanet 100984, MedGen C2931355, MONDO:0008437, OMIM 182600.

Allele frequency attached by ClinVar (database versions not stated): TOPMed below 0.00001; gnomAD 0.00001; gnomAD exomes 0.00001.
gnomAD v4.1: 10 of 1,612,876 alleles (0.00062%); highest among the groups gnomAD compares: East Asian, 0.0045%; no homozygotes.

Submissions (3):

Labcorp Genetics (formerly Invitae), Labcorp
Classification: Uncertain significance for Hereditary spastic paraplegia 3A. Last evaluated: 2025-09-16. Review status: criteria provided, single submitter. Criteria: Invitae Variant Classification Sherloc (09022015). Collection method: clinical testing. Allele origin: germline.
Comment: This sequence change falls in intron 6 of the ATL1 gene. It does not directly change the encoded amino acid sequence of the ATL1 protein. It affects a nucleotide within the consensus splice site. This variant is not present in population databases (gnomAD no frequency). This variant has not been reported in the literature in individuals affected with ATL1-related conditions. ClinVar contains an entry for this variant (Variation ID: 2644230). Variants that disrupt the consensus splice site are a relatively common cause of aberrant splicing (PMID: 17576681, 9536098). Algorithms developed to predict the effect of sequence changes on RNA splicing suggest that this variant is not likely to affect RNA splicing. In summary, the available evidence is currently insufficient to determine the role of this variant in disease. Therefore, it has been classified as a Variant of Uncertain Significance.

CeGaT Center for Human Genetics Tuebingen
Classification: Uncertain significance. Last evaluated: 2022-05-01. Review status: criteria provided, single submitter. Criteria: CeGaT Center For Human Genetics Tuebingen Variant Classification Criteria Version 2. Collection method: clinical testing. Allele origin: germline. Affected: yes. Observed: 1 variant allele.
Comment: ATL1: PM2, BP4, BP5

Dr. Peter K. Rogan Lab, Western University
No classification provided (evidence only). Condition: Acute myeloid leukemia. Review status: no classification provided. Collection method: in vitro. Allele origin: not applicable. Functional consequence: retained intron. Not counted in ClinVar's aggregate classification.

Literature cited by the submitters: PubMed 17576681 (cited by Labcorp Genetics (formerly Invitae), Labcorp); PubMed 9536098 (cited by Labcorp Genetics (formerly Invitae), Labcorp).

NM_015915.5(ATL1):c.630+6C>T

Gene: ATL1 (atlastin GTPase 1; plus strand). Cytogenetic location: 14q22.1.
Variant type: single nucleotide variant.
Coding change: c.630+6C>T on transcript NM_015915.5 (MANE Select); 6 bases into the intron after coding-DNA position 630, C replaced by T.
Molecular consequence: intron variant.
Genome position (GRCh38, 1-based): chr14:50,595,638, C>T. VCF-style: chr14-50595638-C-T. GRCh37 (hg19) VCF-style: chr14-51062356-C-T.
Other names: NC_000014.8:g.51062356C>T; c.630+6C>T (NM_001127713.1, NM_181598.4).
Identifiers: ClinVar variation 2644230 (VCV002644230.26), dbSNP rs886050531, ClinGen allele CA260776920.